The following is an entry in ClinVar:

ClinVar aggregate classification (germline): Likely benign. Review status: criteria provided, multiple submitters, no conflicts (2 of 4 stars). 2 submissions from 2 submitters: Likely benign (2). Last evaluated 2025-06-09.

Allele frequency attached by ClinVar (database versions not stated): ExAC 0.00001; gnomAD exomes 0.00001; TOPMed 0.00001; gnomAD 0.00002.
gnomAD v4.1: 19 of 1,614,056 alleles (0.0012%); highest among the groups gnomAD compares: Non-Finnish European, 0.0014%; no homozygotes.

Submissions (2):

Labcorp Genetics (formerly Invitae), Labcorp
Classification: Likely benign. Last evaluated: 2025-06-09. Review status: criteria provided, single submitter. Criteria: Invitae Variant Classification Sherloc (09022015). Collection method: clinical testing. Allele origin: germline.

Mayo Clinic Laboratories, Mayo Clinic
Classification: Likely benign. Last evaluated: 2025-05-28. Review status: criteria provided, single submitter. Criteria: ACMG Guidelines, 2015. Collection method: clinical testing. Allele origin: germline. Observed: 1 variant allele.
Comment: BP4, BP7, PM2_supporting

NM_002227.4(JAK1):c.2112C>T (p.Tyr704=)

Gene: JAK1 (Janus kinase 1; minus strand). Cytogenetic location: 1p31.3.
Variant type: single nucleotide variant.
Coding change: c.2112C>T on transcript NM_002227.4 (MANE Select); coding-DNA position 2112, C replaced by T.
Protein change: p.Tyr704=; no amino-acid change (tyrosine 704 retained).
Molecular consequence: synonymous variant.
Genome position (GRCh38, 1-based): chr1:64,845,516, G>A on the plus strand (C>T on the coding strand, the complement: JAK1 is on the minus strand). VCF-style: chr1-64845516-G-A. GRCh37 (hg19) VCF-style: chr1-65311199-G-A.
Other names: p.Tyr704=; c.2112C>T, p.Tyr704= (NM_001320923.2, NM_001321852.2, NM_001321853.2 and 3 more transcripts); c.2109C>T, p.Tyr703= (NM_001321857.2).
Identifiers: ClinVar variation 1589219 (VCV001589219.9), dbSNP rs770800681, ClinGen allele CA892754.
Genomic context (GRCh38, chr1:64,845,516, plus strand): 5'-CCTCCCAGGACACTCTGGTTTCTGGTGGGACCATTATGGACATCAGGACATTCTCACCAA[G>A]TAGCTCAGGGCACTGGCCAGCTGTTTGGCAACTTTGAATTTCCATGGTGTGGTAAGGACA-3'
Protein context (NP_002218.2, residues 694-714): VAKQLASALS[Tyr704=]LEDKDLVHGN